The following is an entry in ClinVar:

NM_007294.4(BRCA1):c.4379del (p.Ser1460fs)

Gene: BRCA1 (BRCA1 DNA repair associated; minus strand). Cytogenetic location: 17q21.31.
Variant type: Deletion.
Coding change: c.4379del on transcript NM_007294.4 (MANE Select); coding-DNA position 4379, one base deleted (G; older notation c.4379delG).
Protein change: p.Ser1460fs; shifts the reading frame from serine 1460.
Molecular consequence: frameshift variant. On other transcripts: non-coding transcript variant (1).
Genome position (GRCh38, 1-based): chr17:43,076,593, C deleted on the plus strand (G on the coding strand, the reverse complement: BRCA1 is on the minus strand). VCF-style (leftmost placement, unchanged base first): chr17-43076592-AC-A. GRCh37 (hg19) VCF-style: chr17-41228609-AC-A.
Other names: c.4238delG, p.Ser1413Ilefs (NM_001407697.1, NM_001407698.1, NM_001407724.1 and 12 more transcripts); c.4235delG, p.Ser1412Ilefs (NM_001407732.1, NM_001407733.1, NM_001407734.1 and 21 more transcripts); c.4232delG, p.Ser1411Ilefs (NM_001407838.1, NM_001407839.1, NM_001407841.1 and 12 more transcripts); c.4379delG, p.Ser1460Ilefs (NM_001407854.1, NM_001407593.1, NM_001407594.1 and 8 more transcripts); c.4376delG, p.Ser1459Ilefs (NM_001407858.1, NM_001407859.1, NM_001407860.1 and 17 more transcripts); c.4373delG, p.Ser1458Ilefs (NM_001407861.1, NM_001407627.1, NM_001407628.1 and 14 more transcripts); c.4178delG, p.Ser1393Ilefs (NM_001407862.1); c.4253delG, p.Ser1418Ilefs (NM_001407863.1, NM_001407939.1, NM_001407940.1 and 11 more transcripts); and 72 more; short protein forms S356fs, S1413fs, S1460fs, S1481fs.
Identifiers: ClinVar variation 186693 (VCV000186693.15), dbSNP rs786203149, ClinGen allele CA002807.

ClinVar aggregate classification (germline): Pathogenic. Review status: reviewed by expert panel (3 of 4 stars). 4 submissions from 4 submitters: Pathogenic (1). 3 of the submissions do not count toward it. Last evaluated 2016-09-08.

Conditions:
Hereditary breast ovarian cancer syndrome. Also called: Hereditary breast and ovarian cancer syndrome; Hereditary breast and ovarian cancer syndrome (HBOC); BRCA1- and BRCA2-Associated Hereditary Breast and Ovarian Cancer; Breast and ovarian cancer; Hereditary breast and ovarian cancer; Hereditary breast and/or ovarian cancer syndrome. Identifiers: Orphanet 145, MedGen C0677776, MeSH D061325, MONDO:0003582. Disease mechanism: loss of function.
Breast-ovarian cancer, familial, susceptibility to, 1 (BROVCA1). Also called: OVARIAN CANCER, SUSCEPTIBILITY TO; BRCA1 Hereditary Breast and Ovarian Cancer. Identifiers: Orphanet 145, MedGen C2676676, MONDO:0011450, OMIM 604370. Disease mechanism: loss of function.
Hereditary cancer-predisposing syndrome. Also called: Hereditary Cancer Syndrome; Hereditary neoplastic syndrome; Tumor predisposition; Neoplastic Syndromes, Hereditary. Identifiers: Orphanet 140162, MedGen C0027672, MeSH D009386, MONDO:0015356.

Submissions (4):

Evidence-based Network for the Interpretation of Germline Mutant Alleles (ENIGMA)
Classification: Pathogenic for Breast-ovarian cancer, familial, susceptibility to, 1. Last evaluated: 2016-09-08. Review status: reviewed by expert panel. Criteria: ENIGMA BRCA1/2 Classification Criteria (2015). Collection method: curation. Allele origin: germline.
Comment: Variant allele predicted to encode a truncated non-functional protein.

Ambry Genetics
Classification: Pathogenic for Hereditary cancer-predisposing syndrome. Last evaluated: 2025-06-05. Review status: criteria provided, single submitter. Criteria: Ambry Variant Classification Scheme 2023. Collection method: clinical testing. Allele origin: germline. Not counted in ClinVar's aggregate classification.
Comment: The c.4379delG pathogenic mutation, located in coding exon 12 of the BRCA1 gene, results from a deletion of one nucleotide at nucleotide position 4379, causing a translational frameshift with a predicted alternate stop codon (p.S1460Ifs*6). This alteration is expected to result in loss of function by premature protein truncation or nonsense-mediated mRNA decay. In addition, this variant is considered to be rare based on population cohorts in the Genome Aggregation Database (gnomAD). As such, this alteration is interpreted as a disease-causing mutation.

Women's Health and Genetics/Laboratory Corporation of America, LabCorp
Classification: Pathogenic for Hereditary breast ovarian cancer syndrome. Last evaluated: 2023-12-07. Review status: criteria provided, single submitter. Criteria: LabCorp Variant Classification Summary - May 2015. Collection method: clinical testing. Allele origin: germline. Not counted in ClinVar's aggregate classification.
Comment: Variant summary: BRCA1 c.4379delG (p.Ser1460IlefsX6) results in a premature termination codon, predicted to cause a truncation of the encoded protein or absence of the protein due to nonsense mediated decay, which are commonly known mechanisms for disease. Variants downstream of this position have been classified as pathogenic by our laboratory. The variant was absent in 251060 control chromosomes (gnomAD). c.4379delG has been reported in the literature in at-least one individual affected with Hereditary Breast And Ovarian Cancer Syndrome (example: Shah_2018). The following publication has been ascertained in the context of this evaluation (PMID: 29785135). Two submitters (including an expert panel ENIGMA) have cited clinical-significance assessments for this variant to ClinVar after 2014. All submitters classified the variant as pathogenic. Based on the evidence outlined above, the variant was classified as pathogenic.

Labcorp Genetics (formerly Invitae), Labcorp
Classification: Pathogenic for Hereditary breast ovarian cancer syndrome. Last evaluated: 2022-02-20. Review status: criteria provided, single submitter. Criteria: Invitae Variant Classification Sherloc (09022015). Collection method: clinical testing. Allele origin: germline. Not counted in ClinVar's aggregate classification.
Comment: For these reasons, this variant has been classified as Pathogenic. ClinVar contains an entry for this variant (Variation ID: 186693). This variant has not been reported in the literature in individuals affected with BRCA1-related conditions. This variant is not present in population databases (gnomAD no frequency). This sequence change creates a premature translational stop signal (p.Ser1460Ilefs*6) in the BRCA1 gene. It is expected to result in an absent or disrupted protein product. Loss-of-function variants in BRCA1 are known to be pathogenic (PMID: 20104584).

Literature cited by the submitters: PubMed 29785135 (cited by Women's Health and Genetics/Laboratory Corporation of America, LabCorp); PubMed 20104584 (cited by Labcorp Genetics (formerly Invitae), Labcorp).